The following is an entry in ClinVar:

NM_000329.3(RPE65):c.1580A>C (p.His527Pro)

Gene: RPE65 (retinoid isomerohydrolase RPE65; minus strand). Cytogenetic location: 1p31.3.
Variant type: single nucleotide variant.
Coding change: c.1580A>C on transcript NM_000329.3 (MANE Select); coding-DNA position 1580, A replaced by C.
Protein change: p.His527Pro; replaces histidine 527 with proline.
Molecular consequence: missense variant.
Genome position (GRCh38, 1-based): chr1:68,429,798, T>G on the plus strand (A>C on the coding strand, the complement: RPE65 is on the minus strand). VCF-style: chr1-68429798-T-G. GRCh37 (hg19) VCF-style: chr1-68895481-T-G.
Other names: NM_000329.3:c.1580A>C; c.1472A>C, p.His491Pro (NM_001406853.1); c.1304A>C, p.His435Pro (NM_001406856.1, NM_001406857.1); short protein forms H435P, H491P, H527P.
Identifiers: ClinVar variation 3906146 (VCV003906146.1).
Genomic context (GRCh38, chr1:68,429,798, plus strand): 5'-CAGTTTTGCTACCAAAAACATATCTTGCTGGAGTATGCTCAAGATTTTTTGAACAGTCCA[T>G]GAAAGGTGACAGGGATGTTAATCTCCACTTCAGCCCGGGCAACTTCACTTAAGTCCTTGG-3'
Protein context (NP_000320.1, residues 517-533): EVEINIPVTF[His527Pro]GLFKKS

ClinVar aggregate classification (germline): Likely pathogenic (3 of 4 stars; one submission).

Conditions:
RPE65-related recessive retinopathy. Also called: Recessive RPE65 retinopathy. Identifiers: MedGen CN305526, MONDO:0100368.

Submission:

ClinGen Leber Congenital Amaurosis/early Onset Retinal Dystrophy Variant Curation Expert Panel, ClinGen
Classification: Likely pathogenic for RPE65-related recessive retinopathy. Last evaluated: 2025-06-11. Review status: reviewed by expert panel. Criteria: ClinGen LCAeoRD ACMG Specifications RPE65 V1.0.0. Collection method: curation. Allele origin: germline. Inheritance: Autosomal recessive inheritance.
Comment: NM_000329.3(RPE65):c.1580A>C (p.His527Pro) is a missense variant predicted to replace histidine with proline at amino acid p.527, which is located within the active site, a well-characterized functional domain required for enzymatic activity (PM1, PMID: 34492281). Another missense variant in the same codon, NM_000329.3(RPE65):c.1580A>G (p.His527Arg), has been classified as pathogenic for RPE65-related recessive retinopathy by the ClinGen LCA / eoRD VCEP (PM5, PMID: 17525851). Splicing prediction using SpliceAI did not strongly predict an effect on splicing due to either of these variants. This variant is absent from gnomAD v4.1.0 (PM2_Supporting). This variant has been reported in at least 1 proband with a diagnosis of inherited retinal dystrophy who harbored the variant in the compound heterozygous state (PMID: 30268864) with the NM_000329.3(RPE65):c.651del (p.Asp218IlefsTer3) variant suspected but not confirmed in trans. However, the proband was not counted for PM3_Supporting because sufficient phenotype details were unavailable to confirm the compatibility of the diagnosis with RPE65 as the cause. The computational predictor REVEL gives a score of 0.991, which is above the ClinGen LCA / eoRD VCEP threshold of ≥0.773 and predicts a damaging effect on RPE65 function (PP3_Moderate). The splicing impact predictor SpliceAI gives a score of 0.01 for acceptor loss, which is below the ClinGen LCA / eoRD VCEP recommended threshold of ≥0.2 and does not strongly predict an impact on splicing. In summary, this variant meets the criteria to be classified as likely pathogenic for RPE65-related recessive retinopathy based on the ACMG/AMP criteria applied, as specified by the ClinGen LCA / eoRD VCEP: PM1, PM2_Supporting, PM5, and PP3_Moderate. (VCEP specifications version 1.0.0; date of approval 09/21/2023).